The following is an entry in ClinVar:

ClinVar aggregate classification (germline): Uncertain significance (1 of 4 stars; one submission).

Submission:

Women's Health and Genetics/Laboratory Corporation of America, LabCorp
Classification: Uncertain significance. Last evaluated: 2025-06-12. Review status: criteria provided, single submitter. Criteria: LabCorp Variant Classification Summary - May 2015. Collection method: clinical testing. Allele origin: germline.
Comment: Variant summary: PKD1 c.6601C>T (p.Pro2201Ser) results in a non-conservative amino acid change in the encoded protein sequence. Algorithms developed to predict the effect of missense changes on protein structure and function are either unavailable or do not agree on the potential impact of this missense change. The variant was absent in 189318 control chromosomes. The available data on variant occurrences in the general population are insufficient to allow any conclusion about variant significance. To our knowledge, no occurrence of c.6601C>T in individuals affected with PKD1-Biallelic Autosomal Recessive Polycystic Kidney Disease and no experimental evidence demonstrating its impact on protein function have been reported. No submitters have cited clinical-significance assessments for this variant to ClinVar. Based on the evidence outlined above, the variant was classified as uncertain significance.

NM_001009944.3(PKD1):c.6601C>T (p.Pro2201Ser)

Gene: PKD1 (polycystin 1, transient receptor potential channel interacting; minus strand). Cytogenetic location: 16p13.3.
Variant type: single nucleotide variant.
Coding change: c.6601C>T on transcript NM_001009944.3 (MANE Select); coding-DNA position 6601, C replaced by T.
Protein change: p.Pro2201Ser; replaces proline 2201 with serine.
Molecular consequence: missense variant.
Genome position (GRCh38, 1-based): chr16:2,108,566, G>A on the plus strand (C>T on the coding strand, the complement: PKD1 is on the minus strand). VCF-style: chr16-2108566-G-A. GRCh37 (hg19) VCF-style: chr16-2158567-G-A.
Other names: c.6601C>T, p.Pro2201Ser (NM_000296.4); short protein forms P2201S.
Identifiers: ClinVar variation 3907182 (VCV003907182.1).